The following is an entry in ClinVar:

NM_138927.4(SON):c.4463A>G (p.Asn1488Ser)

Gene: SON (SON DNA and RNA binding protein; plus strand). Cytogenetic location: 21q22.11.
Variant type: single nucleotide variant.
Coding change: c.4463A>G on transcript NM_138927.4 (MANE Select); coding-DNA position 4463, A replaced by G.
Protein change: p.Asn1488Ser; replaces asparagine 1488 with serine.
Molecular consequence: missense variant. On other transcripts: non-coding transcript variant (1), intron variant (1).
Genome position (GRCh38, 1-based): chr21:33,553,694, A>G. VCF-style: chr21-33553694-A-G. GRCh37 (hg19) VCF-style: chr21-34926000-A-G.
Other names: c.4463A>G, p.Asn1488Ser (NM_001291411.2, NM_032195.3); c.245-3462A>G (NM_001291412.3); c.4463A>G (NM_138927.2); short protein forms N1488S.
Identifiers: ClinVar variation 717601 (VCV000717601.13), dbSNP rs61739447, ClinGen allele CA10009528.

ClinVar aggregate classification (germline): Benign. Review status: criteria provided, multiple submitters, no conflicts (2 of 4 stars). 3 submissions from 3 submitters: Benign (2). 1 of the submissions does not count toward it. Last evaluated 2026-01-26.

Conditions:
SON-related disorder. Also called: SON-related condition.

Allele frequency attached by ClinVar (database versions not stated): gnomAD exomes 0.00080 and 0.00225; ExAC 0.00279; 1000 Genomes Project 0.00779; gnomAD 0.00829 and 0.00891; 1000 Genomes Project 30x 0.00874; TOPMed 0.00903; ESP Exome Variant Server 0.01007.
gnomAD v4.1: 2,463 of 1,614,026 alleles (0.15%); highest among the groups gnomAD compares: African/African-American, 3%; 42 homozygotes.

Submissions (3):

Labcorp Genetics (formerly Invitae), Labcorp
Classification: Benign. Last evaluated: 2026-01-26. Review status: criteria provided, single submitter. Criteria: Invitae Variant Classification Sherloc (09022015). Collection method: clinical testing. Allele origin: germline.

Breakthrough Genomics
Classification: Benign. Review status: criteria provided, single submitter. Criteria: ACMG Guidelines, 2015. Collection method: not provided. Allele origin: germline. Inheritance: Autosomal dominant inheritance. Affected: yes.

PreventionGenetics, part of Exact Sciences
Classification: Benign for SON-related condition. Last evaluated: 2021-08-24. Review status: no assertion criteria provided. Collection method: clinical testing. Allele origin: germline. Not counted in ClinVar's aggregate classification.
Comment: This variant is classified as benign based on ACMG/AMP sequence variant interpretation guidelines (Richards et al. 2015 PMID: 25741868, with internal and published modifications).